The following is an entry in ClinVar:

NM_001367624.2(ZNF469):c.6444dup (p.Gln2149fs)

Gene: ZNF469 (zinc finger protein 469; plus strand). Cytogenetic location: 16q24.2.
Variant type: Duplication.
Coding change: c.6444dup on transcript NM_001367624.2 (MANE Select); coding-DNA position 6444, one base duplicated (G; older notation c.6444dupG).
Protein change: p.Gln2149fs; shifts the reading frame from glutamine 2149.
Molecular consequence: frameshift variant.
Genome position (GRCh38, 1-based): chr16:88,433,914, G duplicated; the last of 7 consecutive G bases (chr16:88,433,908-88,433,914); duplicating any one gives the same sequence. VCF-style (leftmost placement, unchanged base first): chr16-88433907-T-TG. GRCh37 (hg19) VCF-style: chr16-88500315-T-TG.
Other names: short protein forms Q2149fs.
Identifiers: ClinVar variation 2907499 (VCV002907499.3), dbSNP rs886044697, ClinGen allele CA624447607.

ClinVar aggregate classification (germline): Pathogenic (1 of 4 stars; one submission).

Submission:

Labcorp Genetics (formerly Invitae), Labcorp
Classification: Pathogenic. Last evaluated: 2026-01-21. Review status: criteria provided, single submitter. Criteria: Invitae Variant Classification Sherloc (09022015). Collection method: clinical testing. Allele origin: germline.
Comment: This sequence change creates a premature translational stop signal (p.Gln2121Alafs*42) in the ZNF469 gene. While this is not anticipated to result in nonsense mediated decay, it is expected to disrupt the last 1805 amino acid(s) of the ZNF469 protein. This variant is not present in population databases (gnomAD no frequency). This premature translational stop signal has been observed in individual(s) with brittle cornea syndrome (PMID: 30338343). ClinVar contains an entry for this variant (Variation ID: 2907499). This variant disrupts a region of the ZNF469 protein in which other variant(s) (p.Pro3556Glnfs*136) have been determined to be pathogenic (PMID: 32671420). This suggests that this is a clinically significant region of the protein, and that variants that disrupt it are likely to be disease-causing. For these reasons, this variant has been classified as Pathogenic.

Literature cited by the submitters: PubMed 30338343; PubMed 32671420.